The following is an entry in ClinVar:

NM_001372078.1(REV3L):c.9219G>C (p.Arg3073=)

Gene: REV3L (REV3 like, DNA directed polymerase zeta catalytic subunit; minus strand). Cytogenetic location: 6q21.
Variant type: single nucleotide variant.
Coding change: c.9219G>C on transcript NM_001372078.1 (MANE Select); coding-DNA position 9219, G replaced by C.
Protein change: p.Arg3073=; no amino-acid change (arginine 3073 retained).
Molecular consequence: synonymous variant.
Genome position (GRCh38, 1-based): chr6:111,307,394, C>G on the plus strand (G>C on the coding strand, the complement: REV3L is on the minus strand). VCF-style: chr6-111307394-C-G. GRCh37 (hg19) VCF-style: chr6-111628597-C-G.
Other names: c.8985G>C, p.Arg2995= (NM_001286431.2, NM_001286432.2); c.9219G>C, p.Arg3073= (NM_002912.5).
Identifiers: ClinVar variation 1243274 (VCV001243274.4), dbSNP rs3204954, ClinGen allele CA3961079.

ClinVar aggregate classification (germline): Benign. Review status: criteria provided, single submitter (1 of 4 stars). 2 submissions from 2 submitters: Benign (1). 1 of the submissions does not count toward it. Last evaluated 2019-05-17.

Conditions:
REV3L-related disorder. Also called: REV3L-related condition.

Allele frequency attached by ClinVar (database versions not stated): 1000 Genomes Project 0.05751; 1000 Genomes Project 30x 0.05871; TOPMed 0.10015; ExAC 0.10207; gnomAD exomes 0.10373 and 0.13005; ESP Exome Variant Server 0.10826.
gnomAD v4.1: 205,426 of 1,613,480 alleles (13%); highest among the groups gnomAD compares: Middle Eastern, 17%; 14,809 homozygotes.

Submissions (2):

GeneDx
Classification: Benign. Last evaluated: 2019-05-17. Review status: criteria provided, single submitter. Criteria: GeneDx Variant Classification Process June 2021. Collection method: clinical testing. Allele origin: germline. Affected: yes.

PreventionGenetics, part of Exact Sciences
Classification: Benign for REV3L-related condition. Last evaluated: 2019-06-07. Review status: no assertion criteria provided. Collection method: clinical testing. Allele origin: germline. Not counted in ClinVar's aggregate classification.
Comment: This variant is classified as benign based on ACMG/AMP sequence variant interpretation guidelines (Richards et al. 2015 PMID: 25741868, with internal and published modifications).